The following is an entry in ClinVar:

NM_000038.6(APC):c.6728C>T (p.Thr2243Ile)

Gene: APC (APC regulator of Wnt signaling pathway; plus strand). Cytogenetic location: 5q22.2.
Variant type: single nucleotide variant.
Coding change: c.6728C>T on transcript NM_000038.6 (MANE Select); coding-DNA position 6728, C replaced by T.
Protein change: p.Thr2243Ile; replaces threonine 2243 with isoleucine.
Molecular consequence: missense variant.
Genome position (GRCh38, 1-based): chr5:112,842,322, C>T. VCF-style: chr5-112842322-C-T. GRCh37 (hg19) VCF-style: chr5-112178019-C-T.
Other names: c.6728C>T, p.Thr2243Ile (NM_001127510.3, NM_001354895.2); c.6674C>T, p.Thr2225Ile (NM_001127511.3); c.6782C>T, p.Thr2261Ile (NM_001354896.2); c.6758C>T, p.Thr2253Ile (NM_001354897.2); c.6653C>T, p.Thr2218Ile (NM_001354898.2); c.6644C>T, p.Thr2215Ile (NM_001354899.2); c.6605C>T, p.Thr2202Ile (NM_001354900.2); c.6551C>T, p.Thr2184Ile (NM_001354901.2); and 5 more; short protein forms T1960I, T2117I, T2202I, T2261I, T2152I, T2218I, T2083I, T2142I.
Identifiers: ClinVar variation 826581 (VCV000826581.57), dbSNP rs1580673982, ClinGen allele CA16036036.
Genomic context (GRCh38, chr5:112,842,322, plus strand): 5'-CAATCTCTCGAGGCAGGACAATGATTCATATTCCAGGAGTTCGAAATAGCTCCTCAAGTA[C>T]AAGTCCTGTTTCTAAAAAAGGCCCACCCCTTAAGACTCCAGCCTCCAAAAGCCCTAGTGA-3'
Protein context (NP_000029.2, residues 2233-2253): IPGVRNSSSS[Thr2243Ile]SPVSKKGPPL

ClinVar aggregate classification (germline): Uncertain significance. Review status: criteria provided, multiple submitters, no conflicts (2 of 4 stars). 3 submissions from 3 submitters: Uncertain significance (3). Last evaluated 2024-12-02.

Conditions:
Hereditary cancer-predisposing syndrome. Also called: Neoplastic Syndromes, Hereditary; Tumor predisposition; Hereditary neoplastic syndrome; Hereditary Cancer Syndrome. Identifiers: Orphanet 140162, MedGen C0027672, MeSH D009386, MONDO:0015356.
Familial adenomatous polyposis 1 (FAP1). Also called: POLYPOSIS, ADENOMATOUS INTESTINAL; FAMILIAL ADENOMATOUS POLYPOSIS 1, ATTENUATED. Identifiers: MedGen C2713442, MONDO:0021056, OMIM 175100. Disease mechanism: loss of function.

Submissions (3):

Ambry Genetics
Classification: Uncertain significance for Hereditary cancer-predisposing syndrome. Last evaluated: 2024-12-02. Review status: criteria provided, single submitter. Criteria: Ambry Variant Classification Scheme 2023. Collection method: clinical testing. Allele origin: germline.
Comment: The p.T2243I variant (also known as c.6728C>T), located in coding exon 15 of the APC gene, results from a C to T substitution at nucleotide position 6728. The threonine at codon 2243 is replaced by isoleucine, an amino acid with similar properties. This amino acid position is highly conserved in available vertebrate species. Missense alterations in APC are not a common cause of disease (Spier I et al. Genet Med. 2024 Feb;26(2):100992). In addition, in silico predictors for this gene do not accurately predict pathogenicity. Since supporting evidence is limited at this time, the clinical significance of this alteration remains unclear.

Labcorp Genetics (formerly Invitae), Labcorp
Classification: Uncertain significance for Familial adenomatous polyposis 1. Last evaluated: 2023-04-22. Review status: criteria provided, single submitter. Criteria: Invitae Variant Classification Sherloc (09022015). Collection method: clinical testing. Allele origin: germline.
Comment: In summary, the available evidence is currently insufficient to determine the role of this variant in disease. Therefore, it has been classified as a Variant of Uncertain Significance. Advanced modeling of protein sequence and biophysical properties (such as structural, functional, and spatial information, amino acid conservation, physicochemical variation, residue mobility, and thermodynamic stability) performed at Invitae indicates that this missense variant is not expected to disrupt APC protein function. ClinVar contains an entry for this variant (Variation ID: 826581). This variant has not been reported in the literature in individuals affected with APC-related conditions. This variant is not present in population databases (gnomAD no frequency). This sequence change replaces threonine, which is neutral and polar, with isoleucine, which is neutral and non-polar, at codon 2243 of the APC protein (p.Thr2243Ile).

Color Diagnostics, LLC DBA Color Health
Classification: Uncertain significance for Hereditary cancer-predisposing syndrome. Last evaluated: 2020-03-01. Review status: criteria provided, single submitter. Criteria: ACMG Guidelines, 2015. Collection method: clinical testing. Allele origin: germline.
Comment: This missense variant replaces threonine with isoleucine at codon 2243 of the APC protein. Computational prediction is inconclusive regarding the impact of this variant on protein structure and function (internally defined REVEL score threshold 0.5 < inconclusive < 0.7, PMID: 27666373). Splice site prediction tools suggest that this variant may not impact RNA splicing. To our knowledge, functional studies have not been reported for this variant. This variant has not been reported in individuals affected with hereditary cancer in the literature. This variant has not been identified in the general population by the Genome Aggregation Database (gnomAD). The available evidence is insufficient to determine the role of this variant in disease conclusively. Therefore, this variant is classified as a Variant of Uncertain Significance.